The following is an entry in ClinVar:

ClinVar aggregate classification (germline): Pathogenic/Likely pathogenic. Review status: criteria provided, multiple submitters, no conflicts (2 of 4 stars). 3 submissions from 3 submitters: Pathogenic (1); Likely pathogenic (2). Last evaluated 2025-03-07.

Conditions:
Ataxia-telangiectasia syndrome (AT). Also called: Cerebello-oculocutaneous telangiectasia; Immunodeficiency with ataxia telangiectasia; Ataxia-telangiectasia, complementation group E; Ataxia-telangiectasia, complementation group D; AT, COMPLEMENTATION GROUP C; ATAXIA-TELANGIECTASIA, COMPLEMENTATION GROUP A. Identifiers: Orphanet 100, MedGen C0004135, MONDO:0008840, OMIM 208900.
Hereditary cancer-predisposing syndrome. Also called: Hereditary Cancer Syndrome; Neoplastic Syndromes, Hereditary; Hereditary neoplastic syndrome; Tumor predisposition. Identifiers: Orphanet 140162, MedGen C0027672, MeSH D009386, MONDO:0015356.
Familial cancer of breast. Also called: Hereditary breast cancer; hereditary breast carcinoma; BREAST CANCER, FAMILIAL. Identifiers: Orphanet 227535, MedGen C0346153, MONDO:0016419, OMIM 114480. Disease mechanism: loss of function.

Submissions (3):

Ambry Genetics
Classification: Likely pathogenic for Hereditary cancer-predisposing syndrome. Last evaluated: 2025-03-07. Review status: criteria provided, single submitter. Criteria: Ambry Variant Classification Scheme 2023. Collection method: clinical testing. Allele origin: germline.
Comment: The c.902-1G>A intronic variant results from a G to A substitution one nucleotide upstream from coding exon 7 of the ATM gene. This nucleotide position is well conserved in available vertebrate species. In silico splice site analysis predicts that this alteration will weaken the native splice acceptor site. RNA studies have demonstrated that this alteration results in abnormal splicing in the set of samples tested (Ambry internal data). This variant is considered to be rare based on population cohorts in the Genome Aggregation Database (gnomAD). Alterations that disrupt the canonical splice site are expected to cause aberrant splicing, resulting in an abnormal protein or a transcript that is subject to nonsense-mediated mRNA decay. As such, this alteration is classified as likely pathogenic.

Myriad Genetics, Inc.
Classification: Likely pathogenic for Familial cancer of breast. Last evaluated: 2024-01-11. Review status: criteria provided, single submitter. Criteria: Myriad Autosomal Dominant, Autosomal Recessive and X-Linked Classification Criteria (2023). Collection method: clinical testing. Allele origin: unknown.
Comment: This variant is considered likely pathogenic. This variant occurs within a consensus splice junction and is predicted to result in abnormal mRNA splicing of either an out-of-frame exon or an in-frame exon necessary for protein stability and/or normal function.

Labcorp Genetics (formerly Invitae), Labcorp
Classification: Pathogenic for Ataxia-telangiectasia syndrome. Last evaluated: 2022-10-28. Review status: criteria provided, single submitter. Criteria: Invitae Variant Classification Sherloc (09022015). Collection method: clinical testing. Allele origin: germline.
Comment: This sequence change affects an acceptor splice site in intron 7 of the ATM gene. RNA analysis indicates that disruption of this splice site induces altered splicing and may result in an absent or disrupted protein product. This variant is not present in population databases (gnomAD no frequency). Disruption of this splice site has been observed in individual(s) with breast cancer and ataxia-telangiectasia in whom it co-occurs with a second pathogenic ATM variant (PMID: 10330348, 32427313). ClinVar contains an entry for this variant (Variation ID: 822904). Studies have shown that disruption of this splice site results in skipping of exon 8 and introduces a premature termination codon (PMID: 10330348; Invitae). The resulting mRNA is expected to undergo nonsense-mediated decay. For these reasons, this variant has been classified as Pathogenic.

Literature cited by the submitters: PubMed 10330348 (cited by Labcorp Genetics (formerly Invitae), Labcorp); PubMed 32427313 (cited by Labcorp Genetics (formerly Invitae), Labcorp).

NM_000051.4(ATM):c.902-1G>A

Gene: ATM (ATM serine/threonine kinase; plus strand). Cytogenetic location: 11q22.3.
Variant type: single nucleotide variant.
Coding change: c.902-1G>A on transcript NM_000051.4 (MANE Select); the canonical splice acceptor site of the intron before coding-DNA position 902, G replaced by A.
Molecular consequence: splice acceptor variant.
Genome position (GRCh38, 1-based): chr11:108,246,963, G>A. VCF-style: chr11-108246963-G-A. GRCh37 (hg19) VCF-style: chr11-108117690-G-A.
Other names: c.902-1G>A (NM_001351834.2).
Identifiers: ClinVar variation 822904 (VCV000822904.10), dbSNP rs1064793518, ClinGen allele CA382530399.
Genomic context (GRCh38, chr11:108,246,963, plus strand): 5'-GAGCTAGCAGTGTAAACAGAGTACATACATAAAAATTACATTTTAATTTTTTGGATTACA[G>A]GTGCTTATGAATCAACAAAATGGAGAAGTATTTTATACAACTTATATGATCTGCTAGTGA-3'